The following is an entry in ClinVar:

NM_003803.4(MYOM1):c.1412A>G (p.His471Arg)

Gene: MYOM1 (myomesin 1; minus strand). Cytogenetic location: 18p11.31.
Variant type: single nucleotide variant.
Coding change: c.1412A>G on transcript NM_003803.4 (MANE Select); coding-DNA position 1412, A replaced by G.
Protein change: p.His471Arg; replaces histidine 471 with arginine.
Molecular consequence: missense variant.
Genome position (GRCh38, 1-based): chr18:3,164,367, T>C on the plus strand (A>G on the coding strand, the complement: MYOM1 is on the minus strand). VCF-style: chr18-3164367-T-C. GRCh37 (hg19) VCF-style: chr18-3164365-T-C.
Other names: c.1412A>G, p.His471Arg (NM_019856.2); short protein forms H471R.
Identifiers: ClinVar variation 1913859 (VCV001913859.5), dbSNP rs2080439298, ClinGen allele CA401714936.

ClinVar aggregate classification (germline): Uncertain significance (1 of 4 stars; one submission).

Conditions:
Hypertrophic cardiomyopathy. Also called: HYPERTROPHIC MYOCARDIOPATHY. Identifiers: Orphanet 217569, MedGen C0007194, MeSH D002312, MONDO:0005045, HP:0001639.

Submission:

Labcorp Genetics (formerly Invitae), Labcorp
Classification: Uncertain significance for Hypertrophic cardiomyopathy. Last evaluated: 2022-05-26. Review status: criteria provided, single submitter. Criteria: Invitae Variant Classification Sherloc (09022015). Collection method: clinical testing. Allele origin: germline.
Comment: In summary, the available evidence is currently insufficient to determine the role of this variant in disease. Therefore, it has been classified as a Variant of Uncertain Significance. Algorithms developed to predict the effect of missense changes on protein structure and function are either unavailable or do not agree on the potential impact of this missense change (SIFT: "Tolerated"; PolyPhen-2: "Probably Damaging"; Align-GVGD: "Class C0"). This variant has not been reported in the literature in individuals affected with MYOM1-related conditions. This variant is not present in population databases (gnomAD no frequency). This sequence change replaces histidine, which is basic and polar, with arginine, which is basic and polar, at codon 471 of the MYOM1 protein (p.His471Arg).